The following is an entry in ClinVar:

ClinVar aggregate classification (germline): Uncertain significance (1 of 4 stars; one submission).

Conditions:
Hereditary cancer-predisposing syndrome. Also called: Neoplastic Syndromes, Hereditary; Tumor predisposition; Hereditary Cancer Syndrome; Hereditary neoplastic syndrome. Identifiers: Orphanet 140162, MedGen C0027672, MeSH D009386, MONDO:0015356.

Submission:

Ambry Genetics
Classification: Uncertain significance for Hereditary cancer-predisposing syndrome. Last evaluated: 2021-04-10. Review status: criteria provided, single submitter. Criteria: Ambry Variant Classification Scheme 2023. Collection method: clinical testing. Allele origin: germline.
Comment: The c.1624_1665dup42 variant (also known as p.F542_C555dup), located in coding exon 5 of the AXIN2 gene, results from an in-frame duplication of 42 nucleotides at nucleotide positions 1624 to 1665. This results in the duplication of 14 extra residues (FCPGGSEYYCYSKC) between codons 542 and 555. This amino acid region is not well conserved in available vertebrate species. However, this alteration is predicted to be deleterious by in silico analysis (Choi Y et al. PLoS ONE. 2012; 7(10):e46688). Since supporting evidence is limited at this time, the clinical significance of this alteration remains unclear.

NM_004655.4(AXIN2):c.1624_1665dup (p.Cys555_Lys556insPheCysProGlyGlySerGluTyrTyrCysTyrSerLysCys)

Gene: AXIN2 (axin 2; minus strand). Cytogenetic location: 17q24.1.
Variant type: Duplication.
Coding change: c.1624_1665dup on transcript NM_004655.4 (MANE Select); coding-DNA positions 1624 to 1665, 42 bases duplicated.
Protein change: p.Cys555_Lys556insPheCysProGlyGlySerGluTyrTyrCysTyrSerLysCys.
Molecular consequence: inframe insertion. On other transcripts: inframe indel (1).
Genome position (GRCh38, 1-based): chr17:65,537,371-65,537,412, 42 bases duplicated; duplicating any 42 consecutive bases within chr17:65,537,371-65,537,415 gives the same sequence; the c. name uses the placement nearest the transcript's 3' end. GRCh37 (hg19): chr17:63,533,492-63,533,533.
Other names: c.1624_1665dup, p.Cys555_Lys556insPheCysProGlyGlySerGluTyrTyrCysTyrSerLysCys (NM_001363813.1); c.1624_1665dupTTCTGCCCTGGGGGCAGCGAGTATTACTGCTACTCGAAATGC (NM_004655.3).
Identifiers: ClinVar variation 1776658 (VCV001776658.2), dbSNP rs2509411442, ClinGen allele CA2580094714.